The following is an entry in ClinVar:

ClinVar aggregate classification (germline): Uncertain significance (1 of 4 stars; one submission).

Conditions:
ADGRL1-related condition.

Submission:

PreventionGenetics, part of Exact Sciences
Classification: Uncertain significance for ADGRL1-related condition. Last evaluated: 2026-02-16. Review status: criteria provided, single submitter. Criteria: ACMG Guidelines, 2015. Collection method: clinical testing. Allele origin: germline.
Comment: The ADGRL1 c.4237C>A variant is predicted to result in the amino acid substitution p.Pro1413Thr. To our knowledge, this variant has not been reported in the literature. This variant is reported in 0.0069% of alleles in individuals of South Asian descent in gnomAD. At this time, the clinical significance of this variant is uncertain due to the absence of conclusive functional and genetic evidence.

NM_014921.5(ADGRL1):c.4222C>A (p.Pro1408Thr)

Genes: ADGRL1 (adhesion G protein-coupled receptor L1; minus strand), ADGRL1-AS1 (ADGRL1 antisense RNA 1; plus strand). Cytogenetic location: 19p13.12.
Variant type: single nucleotide variant.
Coding change: c.4222C>A on transcript NM_014921.5 (MANE Select); coding-DNA position 4222, C replaced by A.
Protein change: p.Pro1408Thr; replaces proline 1408 with threonine.
Molecular consequence: missense variant.
Genome position (GRCh38, 1-based): chr19:14,151,061, G>T on the plus strand (C>A on the coding strand, the complement: ADGRL1 is on the minus strand). VCF-style: chr19-14151061-G-T. GRCh37 (hg19) VCF-style: chr19-14261873-G-T.
Other names: c.4237C>A, p.Pro1413Thr (NM_001008701.3); short protein forms P1413T, P1408T.
Identifiers: ClinVar variation 4994000 (VCV004994000.1).